The following is an entry in ClinVar:

NM_004082.5(DCTN1):c.2713A>G (p.Thr905Ala)

Gene: DCTN1 (dynactin subunit 1; minus strand). Cytogenetic location: 2p13.1.
Variant type: single nucleotide variant.
Coding change: c.2713A>G on transcript NM_004082.5 (MANE Select); coding-DNA position 2713, A replaced by G.
Protein change: p.Thr905Ala; replaces threonine 905 with alanine.
Molecular consequence: missense variant. On other transcripts: non-coding transcript variant (1).
Genome position (GRCh38, 1-based): chr2:74,366,291, T>C on the plus strand (A>G on the coding strand, the complement: DCTN1 is on the minus strand). VCF-style: chr2-74366291-T-C. GRCh37 (hg19) VCF-style: chr2-74593418-T-C.
Other names: c.2602A>G, p.Thr868Ala (NM_001190836.2); c.2692A>G, p.Thr898Ala (NM_001190837.2); c.2662A>G, p.Thr888Ala (NM_001378991.1); c.2644A>G, p.Thr882Ala (NM_001378992.1); c.2311A>G, p.Thr771Ala (NM_023019.4, NM_001135041.3); c.2653A>G, p.Thr885Ala (NM_001135040.3); short protein forms T885A, T905A, T882A, T888A, T771A, T898A, T868A.
Identifiers: ClinVar variation 4793579 (VCV004793579.1).

ClinVar aggregate classification (germline): Uncertain significance (1 of 4 stars; one submission).

Conditions:
Amyotrophic lateral sclerosis type 1 (ALS1). Also called: AMYOTROPHIC LATERAL SCLEROSIS 1, FAMILIAL. Identifiers: Orphanet 803, MedGen C1862939, MONDO:0007103, OMIM 105400.
Neuronopathy, distal hereditary motor, type 7B. Also called: NEURONOPATHY, DISTAL HEREDITARY MOTOR, AUTOSOMAL DOMINANT 14; NEURONOPATHY, DISTAL HEREDITARY MOTOR, HARDING TYPE VIIB; NEUROPATHY, DISTAL HEREDITARY MOTOR, HARDING TYPE VIIB; NEUROPATHY, DISTAL HEREDITARY MOTOR, WITH VOCAL CORD PARALYSIS, HARDING TYPE VIIB; HMN VIIB; LOWER MOTOR NEURON DISEASE, DYNACTIN TYPE. Identifiers: Orphanet 139589, MedGen C1843315, MONDO:0011879, OMIM 607641.
Perry syndrome. Also called: PARKINSONISM WITH ALVEOLAR HYPOVENTILATION AND MENTAL DEPRESSION. Identifiers: Orphanet 178509, MedGen C1868594, MONDO:0008201, OMIM 168605.

gnomAD v4.1: 1 of 1,614,240 alleles (0.000062%); highest among the groups gnomAD compares: Non-Finnish European, 0.000085%; no homozygotes.

Submission:

Labcorp Genetics (formerly Invitae), Labcorp
Classification: Uncertain significance for Amyotrophic lateral sclerosis type 1; Neuronopathy, distal hereditary motor, type 7B; Perry syndrome. Last evaluated: 2025-11-27. Review status: criteria provided, single submitter. Criteria: Invitae Variant Classification Sherloc (09022015). Collection method: clinical testing. Allele origin: germline.
Comment: This sequence change replaces threonine, which is neutral and polar, with alanine, which is neutral and non-polar, at codon 905 of the DCTN1 protein (p.Thr905Ala). This variant is not present in population databases (gnomAD no frequency). This variant has not been reported in the literature in individuals affected with DCTN1-related conditions. Invitae Evidence Modeling of protein sequence and biophysical properties (such as structural, functional, and spatial information, amino acid conservation, physicochemical variation, residue mobility, and thermodynamic stability) indicates that this missense variant is not expected to disrupt DCTN1 protein function with a negative predictive value of 95%. In summary, the available evidence is currently insufficient to determine the role of this variant in disease. Therefore, it has been classified as a Variant of Uncertain Significance.